The following is an entry in ClinVar:

NM_001267550.2(TTN):c.2730del (p.Val911fs)

Gene: TTN (titin; minus strand). Cytogenetic location: 2q31.2.
Variant type: Deletion.
Coding change: c.2730del on transcript NM_001267550.2 (MANE Select); coding-DNA position 2730, one base deleted (C; older notation c.2730delC).
Protein change: p.Val911fs; shifts the reading frame from valine 911.
Molecular consequence: frameshift variant.
Genome position (GRCh38, 1-based): chr2:178,784,115, G deleted on the plus strand (C on the coding strand, the reverse complement: TTN is on the minus strand); the first of 2 consecutive G bases (chr2:178,784,115-178,784,116); deleting either gives the same sequence. VCF-style (leftmost placement, unchanged base first): chr2-178784114-CG-C. GRCh37 (hg19) VCF-style: chr2-179648841-CG-C.
Other names: c.2730del, p.Val911fs (NM_001256850.1, NM_133378.4, NM_133379.5); c.2592del, p.Val865fs (NM_003319.4, NM_133432.3, NM_133437.4); short protein forms V911fs, V865fs.
Identifiers: ClinVar variation 4785868 (VCV004785868.1).

ClinVar aggregate classification (germline): Likely pathogenic (1 of 4 stars; one submission).

Conditions:
Autosomal recessive limb-girdle muscular dystrophy type 2J (LGMDR10). Also called: Limb-girdle muscular dystrophy, type 2J; MUSCULAR DYSTROPHY, LIMB-GIRDLE, AUTOSOMAL RECESSIVE 10. Identifiers: Orphanet 140922, MedGen C1837342, MONDO:0012127, OMIM 608807.
Dilated cardiomyopathy 1G (CMD1G). Identifiers: Orphanet 154, MedGen C1858763, MONDO:0011400, OMIM 604145.

Submission:

Labcorp Genetics (formerly Invitae), Labcorp
Classification: Likely pathogenic for Dilated cardiomyopathy 1G; Autosomal recessive limb-girdle muscular dystrophy type 2J. Last evaluated: 2025-08-13. Review status: criteria provided, single submitter. Criteria: Invitae Variant Classification Sherloc (09022015). Collection method: clinical testing. Allele origin: germline.
Comment: This sequence change creates a premature translational stop signal (p.Val911Serfs*16) in the TTN gene. While this is not anticipated to result in nonsense mediated decay, it is expected to create a truncated TTN protein. This variant is not present in population databases (gnomAD no frequency). This variant has not been reported in the literature in individuals affected with TTN-related conditions. This variant is located in the Z band of TTN (PMID: 25589632). Truncating variants in this region have been reported in individuals affected with autosomal recessive centronuclear myopathy (PMID: 33449170, internal data). Truncating variants in this region have also been identified in individuals affected with autosomal dominant dilated cardiomyopathy and/or cardio-related conditions (PMID: 27869827, 32964742, internal data). In summary, the currently available evidence indicates that the variant is pathogenic, but additional data are needed to prove that conclusively. Therefore, this variant has been classified as Likely Pathogenic.

Literature cited by the submitters: PubMed 25589632; PubMed 33449170; PubMed 27869827; PubMed 32964742.